The following is an entry in ClinVar:

ClinVar aggregate classification (germline): Uncertain significance (1 of 4 stars; one submission).

Conditions:
3-methylglutaconic aciduria, type VIIB (MGCA7B). Also called: 3-methylglutaconic aciduria, type VII, with cataracts, neurologic involvement and neutropenia; 3-methylglutaconic aciduria with cataracts, neurologic involvement and neutropenia; CLPB Deficiency. Identifiers: Orphanet 445038, MedGen C5676893, MONDO:0014561, OMIM 616271.

Allele frequency attached by ClinVar (database versions not stated): gnomAD exomes below 0.00001 and 0.00001; TOPMed below 0.00001; gnomAD 0.00001; ExAC 0.00002.
gnomAD v4.1: 6 of 1,612,388 alleles (0.00037%); highest among the groups gnomAD compares: South Asian, 0.0022%; no homozygotes.

Submission:

Labcorp Genetics (formerly Invitae), Labcorp
Classification: Uncertain significance for 3-methylglutaconic aciduria, type VIIB. Last evaluated: 2024-05-24. Review status: criteria provided, single submitter. Criteria: Invitae Variant Classification Sherloc (09022015). Collection method: clinical testing. Allele origin: germline.
Comment: This sequence change replaces arginine, which is basic and polar, with glutamine, which is neutral and polar, at codon 342 of the CLPB protein (p.Arg342Gln). This variant is present in population databases (rs751427024, gnomAD 0.01%). This variant has not been reported in the literature in individuals affected with CLPB-related conditions. ClinVar contains an entry for this variant (Variation ID: 1062480). An algorithm developed to predict the effect of missense changes on protein structure and function (PolyPhen-2) suggests that this variant is likely to be disruptive. In summary, the available evidence is currently insufficient to determine the role of this variant in disease. Therefore, it has been classified as a Variant of Uncertain Significance.

NM_001258392.3(CLPB):c.935G>A (p.Arg312Gln)

Gene: CLPB (ClpB family mitochondrial disaggregase; minus strand). Cytogenetic location: 11q13.4.
Variant type: single nucleotide variant.
Coding change: c.935G>A on transcript NM_001258392.3 (MANE Select); coding-DNA position 935, G replaced by A.
Protein change: p.Arg312Gln; replaces arginine 312 with glutamine.
Molecular consequence: missense variant.
Genome position (GRCh38, 1-based): chr11:72,317,159, C>T on the plus strand (G>A on the coding strand, the complement: CLPB is on the minus strand). VCF-style: chr11-72317159-C-T. GRCh37 (hg19) VCF-style: chr11-72028203-C-T.
Other names: c.848G>A, p.Arg283Gln (NM_001258393.3); c.890G>A, p.Arg297Gln (NM_001258394.3); c.1025G>A, p.Arg342Gln (NM_030813.6); short protein forms R283Q, R297Q, R312Q, R342Q.
Identifiers: ClinVar variation 1062480 (VCV001062480.9), dbSNP rs751427024, ClinGen allele CA6171323.